The following is an entry in ClinVar:

ClinVar aggregate classification (germline): Uncertain significance (1 of 4 stars; one submission).

Conditions:
MHC class I deficiency. Identifiers: Orphanet 34592, MedGen C6024714, MONDO:0011476.

Allele frequency attached by ClinVar (database versions not stated): gnomAD exomes 0.00001 and below 0.00001; gnomAD 0.00001; TOPMed 0.00001.
gnomAD v4.1: 17 of 1,612,946 alleles (0.0011%); highest among the groups gnomAD compares: Non-Finnish European, 0.0014%; no homozygotes.

Submission:

Labcorp Genetics (formerly Invitae), Labcorp
Classification: Uncertain significance for MHC class I deficiency 1. Last evaluated: 2017-08-10. Review status: criteria provided, single submitter. Criteria: Invitae Variant Classification Sherloc (09022015). Collection method: clinical testing. Allele origin: germline.
Comment: Algorithms developed to predict the effect of missense changes on protein structure and function (SIFT, PolyPhen-2, Align-GVGD) all suggest that this variant is likely to be tolerated, but these predictions have not been confirmed by published functional studies and their clinical significance is uncertain. In summary, the available evidence is currently insufficient to determine the role of this variant in disease. Therefore, it has been classified as a Variant of Uncertain Significance. This variant has not been reported in the literature in individuals with TAP2-related disease. This variant is not present in population databases (ExAC no frequency). This sequence change replaces glycine with alanine at codon 283 of the TAP2 protein (p.Gly283Ala). The glycine residue is moderately conserved and there is a small physicochemical difference between glycine and alanine.

NM_001290043.2(TAP2):c.848G>C (p.Gly283Ala)

Gene: TAP2 (transporter 2, ATP binding cassette subfamily B member; minus strand). Cytogenetic location: 6p21.32.
Variant type: single nucleotide variant.
Coding change: c.848G>C on transcript NM_001290043.2 (MANE Select); coding-DNA position 848, G replaced by C.
Protein change: p.Gly283Ala; replaces glycine 283 with alanine.
Molecular consequence: missense variant.
Genome position (GRCh38, 1-based): chr6:32,835,251, C>G on the plus strand (G>C on the coding strand, the complement: TAP2 is on the minus strand). VCF-style: chr6-32835251-C-G. GRCh37 (hg19) VCF-style: chr6-32803028-C-G.
Other names: c.848G>C, p.Gly283Ala (NM_000544.3, NM_018833.3); short protein forms G283A.
Identifiers: ClinVar variation 534712 (VCV000534712.8), dbSNP rs1278521116, ClinGen allele CA363584338.